The following is an entry in ClinVar:

ClinVar aggregate classification (germline): Uncertain significance. Review status: criteria provided, multiple submitters, no conflicts (2 of 4 stars). 2 submissions from 2 submitters: Uncertain significance (2). Last evaluated 2022-08-09.

Allele frequency attached by ClinVar (database versions not stated): gnomAD 0.00003; gnomAD exomes 0.00004 and 0.00007; ExAC 0.00007; 1000 Genomes Project 30x 0.00016; 1000 Genomes Project 0.00020.
gnomAD v4.1: 67 of 1,610,252 alleles (0.0042%); highest among the groups gnomAD compares: South Asian, 0.067%; 2 homozygotes.

Submissions (2):

Labcorp Genetics (formerly Invitae), Labcorp
Classification: Uncertain significance. Last evaluated: 2022-08-09. Review status: criteria provided, single submitter. Criteria: Invitae Variant Classification Sherloc (09022015). Collection method: clinical testing. Allele origin: germline.
Comment: In summary, the available evidence is currently insufficient to determine the role of this variant in disease. Therefore, it has been classified as a Variant of Uncertain Significance. Algorithms developed to predict the effect of missense changes on protein structure and function are either unavailable or do not agree on the potential impact of this missense change (SIFT: "Tolerated"; PolyPhen-2: "Probably Damaging"; Align-GVGD: "Class C0"). ClinVar contains an entry for this variant (Variation ID: 1438438). This variant has not been reported in the literature in individuals affected with ARHGEF10-related conditions. This variant is present in population databases (rs562403815, gnomAD 0.06%). This sequence change replaces glutamine, which is neutral and polar, with arginine, which is basic and polar, at codon 392 of the ARHGEF10 protein (p.Gln392Arg).

Ambry Genetics
Classification: Uncertain significance. Last evaluated: 2022-07-27. Review status: criteria provided, single submitter. Criteria: Ambry Variant Classification Scheme 2023. Collection method: clinical testing. Allele origin: germline.

NM_014629.4(ARHGEF10):c.1175A>G (p.Gln392Arg)

Gene: ARHGEF10 (Rho guanine nucleotide exchange factor 10; plus strand). Cytogenetic location: 8p23.3.
Variant type: single nucleotide variant.
Coding change: c.1175A>G on transcript NM_014629.4 (MANE Select); coding-DNA position 1175, A replaced by G.
Protein change: p.Gln392Arg; replaces glutamine 392 with arginine.
Molecular consequence: missense variant.
Genome position (GRCh38, 1-based): chr8:1,885,700, A>G. VCF-style: chr8-1885700-A-G. GRCh37 (hg19) VCF-style: chr8-1833866-A-G.
Other names: c.1061A>G, p.Gln354Arg (NM_001308152.2); c.1178A>G, p.Gln393Arg (NM_001308153.3); short protein forms Q417R, Q354R, Q392R, Q393R.
Identifiers: ClinVar variation 1438438 (VCV001438438.10), dbSNP rs562403815, ClinGen allele CA4600235.
Genomic context (GRCh38, chr8:1,885,700, plus strand): 5'-TTGATGTTGACTGCAAGCACCCGGAAGCCATCTTGACCCCGATGCCCGAGGGTTTATCTC[A>G]GCAGCAGGTGAGATGAGCAGAGCTGACAGGGGCTGTTGACCAGCAGAGCTGTGCTAGTTT-3'
Protein context (NP_055444.2, residues 382-402): ILTPMPEGLS[Gln392Arg]QQVVRRYILG